The following is an entry in ClinVar:

NM_004999.4(MYO6):c.92T>C (p.Ile31Thr)

Gene: MYO6 (myosin VI; plus strand). Cytogenetic location: 6q14.1.
Variant type: single nucleotide variant.
Coding change: c.92T>C on transcript NM_004999.4 (MANE Select); coding-DNA position 92, T replaced by C.
Protein change: p.Ile31Thr; replaces isoleucine 31 with threonine.
Molecular consequence: missense variant. On other transcripts: non-coding transcript variant (2).
Genome position (GRCh38, 1-based): chr6:75,817,639, T>C. VCF-style: chr6-75817639-T-C. GRCh37 (hg19) VCF-style: chr6-76527356-T-C.
Other names: c.92T>C, p.Ile31Thr (NM_001300899.2, NM_001368136.1, NM_001368137.1 and 5 more transcripts); short protein forms I31T.
Identifiers: ClinVar variation 666726 (VCV000666726.18), dbSNP rs148735953, ClinGen allele CA3896716.

ClinVar aggregate classification (germline): Likely benign. Review status: criteria provided, multiple submitters, no conflicts (2 of 4 stars). 6 submissions from 6 submitters: Likely benign (4). 2 of the submissions do not count toward it. Last evaluated 2025-05-17.

Conditions:
MYO6-related disorder. Also called: MYO6-related disorders; MYO6-related condition.

Allele frequency attached by ClinVar (database versions not stated): gnomAD exomes 0.00007 and 0.00021; ExAC 0.00030; 1000 Genomes Project 0.00080; gnomAD 0.00092 and 0.00093; TOPMed 0.00092; 1000 Genomes Project 30x 0.00109; ESP Exome Variant Server 0.00123.
gnomAD v4.1: 237 of 1,614,098 alleles (0.015%); highest among the groups gnomAD compares: African/African-American, 0.29%; 2 homozygotes.

Submissions (6):

Labcorp Genetics (formerly Invitae), Labcorp
Classification: Likely benign. Last evaluated: 2025-05-17. Review status: criteria provided, single submitter. Criteria: Invitae Variant Classification Sherloc (09022015). Collection method: clinical testing. Allele origin: germline.

Blueprint Genetics
Classification: Likely benign. Last evaluated: 2024-10-08. Review status: criteria provided, single submitter. Criteria: ACMG Guidelines, 2015. Collection method: clinical testing. Allele origin: germline.

GeneDx
Classification: Likely benign. Last evaluated: 2021-05-28. Review status: criteria provided, single submitter. Criteria: GeneDx Variant Classification Process June 2021. Collection method: clinical testing. Allele origin: germline. Affected: yes.

Laboratory for Molecular Medicine, Mass General Brigham Personalized Medicine
Classification: Likely benign. Last evaluated: 2012-04-30. Review status: criteria provided, single submitter. Criteria: LMM Criteria. Collection method: clinical testing. Allele origin: germline. Observed: 1 variant allele.
Comment: Ile31Thr in Exon 02 of MYO6: This variant is not expected to have clinical signi ficance because it has been identified in 0.4% (14/3738) of African American chr omosomes from a broad population by the NHLBI Exome Sequencing Project (dbSNP rs148735953).

PreventionGenetics, part of Exact Sciences
Classification: Likely benign for MYO6-related condition. Last evaluated: 2024-03-18. Review status: no assertion criteria provided. Collection method: clinical testing. Allele origin: germline. Not counted in ClinVar's aggregate classification.
Comment: This variant is classified as likely benign based on ACMG/AMP sequence variant interpretation guidelines (Richards et al. 2015 PMID: 25741868, with internal and published modifications).

Department of Pathology and Laboratory Medicine, Sinai Health System
Classification: Uncertain significance. Review status: no assertion criteria provided. Collection method: clinical testing. Allele origin: unknown. Affected: yes. Study: The Canadian Open Genetics Repository (COGR). Not counted in ClinVar's aggregate classification.
Comment: The MYO6 p.I31T variant was not identified in the literature but was identified in dbSNP (ID: rs148735953) and ClinVar (classified as likely benign by Laboratory for Molecular Medicine). The variant was identified in control databases in 81 of 282852 chromosomes at a frequency of 0.0002864, and was observed at the highest frequency in the African population in 77 of 24968 chromosomes (freq: 0.003084) (Genome Aggregation Database March 6, 2019, v2.1.1). The p.I31 residue is conserved in mammals and computational analyses (MUT Assesor, PolyPhen-2, SIFT, MutationTaster, Revel, FATHMM, MetaLR, DANN) provide inconsistent predictions regarding the impact to the protein; this information is not very predictive of pathogenicity. The variant occurs outside of the splicing consensus sequence and in silico or computational prediction software programs (Splice AI exome) do not predict a difference in splicing. In summary, based on the above information the clinical significance of this variant cannot be determined with certainty at this time. This variant is classified as a variant of uncertain significance.